The following is an entry in ClinVar:

NM_004415.4(DSP):c.712dup (p.Ile238fs)

Gene: DSP (desmoplakin; plus strand). Cytogenetic location: 6p24.3.
Variant type: Duplication.
Coding change: c.712dup on transcript NM_004415.4 (MANE Select); coding-DNA position 712, one base duplicated (A; older notation c.712dupA).
Protein change: p.Ile238fs; shifts the reading frame from isoleucine 238.
Genome position (GRCh38, 1-based): chr6:7,562,766, A duplicated; the last of 4 consecutive A bases (chr6:7,562,763-7,562,766); duplicating any one gives the same sequence. VCF-style (leftmost placement, unchanged base first): chr6-7562762-C-CA. GRCh37 (hg19) VCF-style: chr6-7562995-C-CA.
Other names: NM_004415.2:c.712dupA; p.Ile238AsnfsX19; c.712dup, p.Ile238fs (NM_001008844.3, NM_001319034.2); short protein forms I238fs.
Identifiers: ClinVar variation 44948 (VCV000044948.12), dbSNP rs397516956, ClinGen allele CA007149.

ClinVar aggregate classification (germline): Pathogenic/Likely pathogenic. Review status: criteria provided, multiple submitters, no conflicts (2 of 4 stars). 3 submissions from 3 submitters: Pathogenic (2); Likely pathogenic (1). Last evaluated 2023-07-22.

Conditions:
Cardiovascular phenotype. Identifiers: MedGen CN230736.
Arrhythmogenic cardiomyopathy with wooly hair and keratoderma. Also called: Dilated cardiomyopathy with woolly hair and keratoderma; Arrhythmogenic cardiomyopathy with woolly hair and keratoderma; PALMOPLANTAR KERATODERMA WITH LEFT VENTRICULAR CARDIOMYOPATHY AND WOOLLY HAIR; Carvajal syndrome. Identifiers: Orphanet 65282, MedGen C1854063, MONDO:0011581, OMIM 605676.
Arrhythmogenic right ventricular dysplasia 8 (ARVD8). Also called: Arrhythmogenic Right Ventricular Dysplasia/Cardiomyopathy 8; ARRHYTHMOGENIC RIGHT VENTRICULAR DYSPLASIA, FAMILIAL, 8; ARRHYTHMOGENIC RIGHT VENTRICULAR CARDIOMYOPATHY 8. Identifiers: MedGen C1843896, MONDO:0011831, OMIM 607450.
Primary dilated cardiomyopathy (DCM). Also called: Dilated Cardiomyopathy. Identifiers: Orphanet 217604, MedGen C0007193, MeSH D002311, MONDO:0005021, HP:0001644. Inheritance: Various modes of inheritance.

Submissions (3):

Ambry Genetics
Classification: Pathogenic for Cardiovascular phenotype. Last evaluated: 2023-07-22. Review status: criteria provided, single submitter. Criteria: Ambry Variant Classification Scheme 2023. Collection method: clinical testing. Allele origin: germline.
Comment: The c.712dupA variant, located in coding exon 5 of the DSP gene, results from a duplication of A at nucleotide position 712, causing a translational frameshift with a predicted alternate stop codon (p.I238Nfs*19). This variant is considered to be rare based on population cohorts in the Genome Aggregation Database (gnomAD). Alterations in DSP that result in haploinsufficiency or protein truncation have been reported in patients with arrhythmogenic right ventricular cardiomyopathy (ARVC) and dilated cardiomyopathy (DCM) (Fressart V et al. Europace. 2010;12(6):861-8; Elliott P et al. Circ Cardiovasc Genet. 2010;3(4):314-22; Quarta G et al. Circulation. 2011;123(23):2701-9; Garcia-Pavia P et al. Heart. 2011;97(21):1744-52; Rasmussen TB et al. Clin Genet. 2013;84(1):20-30; Pugh TJ et al. Genet Med. 2014;16(8):601-8). This alteration is expected to result in loss of function by premature protein truncation or nonsense-mediated mRNA decay. Based on the supporting evidence, this alteration is interpreted as a disease-causing mutation.

Labcorp Genetics (formerly Invitae), Labcorp
Classification: Pathogenic for Arrhythmogenic cardiomyopathy with wooly hair and keratoderma; Arrhythmogenic right ventricular dysplasia 8. Last evaluated: 2022-02-22. Review status: criteria provided, single submitter. Criteria: Invitae Variant Classification Sherloc (09022015). Collection method: clinical testing. Allele origin: germline.
Comment: For these reasons, this variant has been classified as Pathogenic. ClinVar contains an entry for this variant (Variation ID: 44948). This variant has not been reported in the literature in individuals affected with DSP-related conditions. This variant is not present in population databases (gnomAD no frequency). This sequence change creates a premature translational stop signal (p.Ile238Asnfs*19) in the DSP gene. It is expected to result in an absent or disrupted protein product. Loss-of-function variants in DSP are known to be pathogenic (PMID: 20716751, 24503780, 25227139).

Laboratory for Molecular Medicine, Mass General Brigham Personalized Medicine
Classification: Likely pathogenic for Primary dilated cardiomyopathy. Last evaluated: 2012-07-17. Review status: criteria provided, single submitter. Criteria: LMM Criteria. Collection method: clinical testing. Allele origin: germline. Observed: 1 variant allele.
Comment: The Ile238fs variant in DSP has not been reported in the literature nor previous ly identified by our laboratory. This frameshift variant is predicted to alter t he protein?s amino acid sequence beginning at position 238 and lead to a prematu re termination codon 19 amino acids downstream. This alteration is then predicte d to lead to a truncated or absent protein. In summary, this variant is likely t o be pathogenic, though additional studies are required to fully establish its c linical significance. Please note: Frameshift and nonsense variants in DSP are common in patients with ARVC, but recent evidence su pports that they can also cause DCM (Elliott 2010, Garcia-Pavia 2011).

Literature cited by the submitters: PubMed 32372669 (cited by Ambry Genetics); PubMed 20716751 (cited by Labcorp Genetics (formerly Invitae), Labcorp); PubMed 24503780 (cited by Labcorp Genetics (formerly Invitae), Labcorp); PubMed 25227139 (cited by Labcorp Genetics (formerly Invitae), Labcorp); PubMed 11063735 (cited by Laboratory for Molecular Medicine, Mass General Brigham Personalized Medicine); PubMed 16467215 (cited by Laboratory for Molecular Medicine, Mass General Brigham Personalized Medicine).